The following is an entry in ClinVar:

NM_001458.5(FLNC):c.6125G>T (p.Ser2042Ile)

Genes: FLNC (filamin C; plus strand), FLNC-AS1 (FLNC antisense RNA 1; minus strand). Cytogenetic location: 7q32.1.
Variant type: single nucleotide variant.
Coding change: c.6125G>T on transcript NM_001458.5 (MANE Select); coding-DNA position 6125, G replaced by T.
Protein change: p.Ser2042Ile; replaces serine 2042 with isoleucine.
Molecular consequence: missense variant.
Genome position (GRCh38, 1-based): chr7:128,852,948, G>T. VCF-style: chr7-128852948-G-T. GRCh37 (hg19) VCF-style: chr7-128493002-G-T.
Other names: c.6026G>T, p.Ser2009Ile (NM_001127487.2); short protein forms S2009I, S2042I.
Identifiers: ClinVar variation 1751749 (VCV001751749.2), dbSNP rs2536660392, ClinGen allele CA369211324.

ClinVar aggregate classification (germline): Uncertain significance (1 of 4 stars; one submission).

Conditions:
Cardiovascular phenotype. Identifiers: MedGen CN230736.

Submission:

Ambry Genetics
Classification: Uncertain significance for Cardiovascular phenotype. Last evaluated: 2022-09-19. Review status: criteria provided, single submitter. Criteria: Ambry Variant Classification Scheme 2023. Collection method: clinical testing. Allele origin: germline.
Comment: The p.S2042I variant (also known as c.6125G>T), located in coding exon 37 of the FLNC gene, results from a G to T substitution at nucleotide position 6125. The serine at codon 2042 is replaced by isoleucine, an amino acid with dissimilar properties. This amino acid position is conserved. In addition, the in silico prediction for this alteration is inconclusive. Since supporting evidence is limited at this time, the clinical significance of this alteration remains unclear.